The following is an entry in ClinVar:

ClinVar aggregate classification (germline): Uncertain significance (1 of 4 stars; one submission).

Allele frequency attached by ClinVar (database versions not stated): gnomAD exomes below 0.00001.
gnomAD v4.1: 2 of 1,613,770 alleles (0.00012%); highest among the groups gnomAD compares: Admixed American, 0.0033%; no homozygotes.

Submission:

Labcorp Genetics (formerly Invitae), Labcorp
Classification: Uncertain significance. Last evaluated: 2024-11-04. Review status: criteria provided, single submitter. Criteria: Invitae Variant Classification Sherloc (09022015). Collection method: clinical testing. Allele origin: germline.
Comment: This sequence change replaces histidine, which is basic and polar, with arginine, which is basic and polar, at codon 383 of the SMARCD2 protein (p.His383Arg). This variant is present in population databases (no rsID available, gnomAD 0.006%). This variant has not been reported in the literature in individuals affected with SMARCD2-related conditions. ClinVar contains an entry for this variant (Variation ID: 1913467). Invitae Evidence Modeling of protein sequence and biophysical properties (such as structural, functional, and spatial information, amino acid conservation, physicochemical variation, residue mobility, and thermodynamic stability) indicates that this missense variant is not expected to disrupt SMARCD2 protein function with a negative predictive value of 80%. In summary, the available evidence is currently insufficient to determine the role of this variant in disease. Therefore, it has been classified as a Variant of Uncertain Significance.

NM_001098426.2(SMARCD2):c.1148A>G (p.His383Arg)

Gene: SMARCD2 (SWI/SNF related BAF chromatin remodeling complex subunit D2; minus strand). Cytogenetic location: 17q23.3.
Variant type: single nucleotide variant.
Coding change: c.1148A>G on transcript NM_001098426.2 (MANE Select); coding-DNA position 1148, A replaced by G.
Protein change: p.His383Arg; replaces histidine 383 with arginine.
Molecular consequence: missense variant.
Genome position (GRCh38, 1-based): chr17:63,833,942, T>C on the plus strand (A>G on the coding strand, the complement: SMARCD2 is on the minus strand). VCF-style: chr17-63833942-T-C. GRCh37 (hg19) VCF-style: chr17-61911302-T-C.
Other names: c.923A>G, p.His308Arg (NM_001330439.1); c.1004A>G, p.His335Arg (NM_001330440.2); short protein forms H383R, H335R, H308R.
Identifiers: ClinVar variation 1913467 (VCV001913467.4), dbSNP rs892114966, ClinGen allele CA292952612.